The following is an entry in ClinVar:

NM_022455.5(NSD1):c.6490T>C (p.Cys2164Arg)

Gene: NSD1 (nuclear receptor binding SET domain protein 1; plus strand). Cytogenetic location: 5q35.3.
Variant type: single nucleotide variant.
Coding change: c.6490T>C on transcript NM_022455.5 (MANE Select); coding-DNA position 6490, T replaced by C.
Protein change: p.Cys2164Arg; replaces cysteine 2164 with arginine.
Molecular consequence: missense variant.
Genome position (GRCh38, 1-based): chr5:177,293,858, T>C. VCF-style: chr5-177293858-T-C. GRCh37 (hg19) VCF-style: chr5-176720859-T-C.
Other names: c.5617T>C, p.Cys1873Arg (NM_001365684.2, NM_001409308.1, NM_172349.5); c.6490T>C, p.Cys2164Arg (NM_001409301.1, NM_001409302.1, NM_001409303.1); c.6070T>C, p.Cys2024Arg (NM_001409304.1); c.5737T>C, p.Cys1913Arg (NM_001409305.1); c.5728T>C, p.Cys1910Arg (NM_001409306.1, NM_001409307.1); c.5368T>C, p.Cys1790Arg (NM_001409309.1); short protein forms C1895R, C2164R, C1873R, C1913R, C1790R, C1910R, C2024R.
Identifiers: ClinVar variation 856735 (VCV000856735.10), dbSNP rs1760058101, ClinGen allele CA362323405.

ClinVar aggregate classification (germline): Pathogenic (1 of 4 stars; one submission).

Submission:

Labcorp Genetics (formerly Invitae), Labcorp
Classification: Pathogenic. Last evaluated: 2022-09-06. Review status: criteria provided, single submitter. Criteria: Invitae Variant Classification Sherloc (09022015). Collection method: clinical testing. Allele origin: germline.
Comment: This variant is not present in population databases (gnomAD no frequency). This sequence change replaces cysteine, which is neutral and slightly polar, with arginine, which is basic and polar, at codon 2164 of the NSD1 protein (p.Cys2164Arg). This missense change has been observed in individual(s) with clinical features of Sotos syndrome (PMID: 15942875; Invitae). In at least one individual the variant was observed to be de novo. ClinVar contains an entry for this variant (Variation ID: 856735). Advanced modeling of protein sequence and biophysical properties (such as structural, functional, and spatial information, amino acid conservation, physicochemical variation, residue mobility, and thermodynamic stability) performed at Invitae indicates that this missense variant is expected to disrupt NSD1 protein function. For these reasons, this variant has been classified as Pathogenic.

Literature cited by the submitters: PubMed 15942875.